The following is an entry in ClinVar:

NM_000987.5(RPL26):c.130G>T (p.Val44Leu)

Gene: RPL26 (ribosomal protein L26; minus strand). Cytogenetic location: 17p13.1.
Variant type: single nucleotide variant.
Coding change: c.130G>T on transcript NM_000987.5 (MANE Select); coding-DNA position 130, G replaced by T.
Protein change: p.Val44Leu; replaces valine 44 with leucine.
Molecular consequence: missense variant.
Genome position (GRCh38, 1-based): chr17:8,382,181, C>A on the plus strand (G>T on the coding strand, the complement: RPL26 is on the minus strand). VCF-style: chr17-8382181-C-A. GRCh37 (hg19) VCF-style: chr17-8285499-C-A.
Other names: c.130G>T, p.Val44Leu (NM_001315530.2, NM_001315531.2); c.130G>T (NM_000987.3); short protein forms V44L.
Identifiers: ClinVar variation 1469771 (VCV001469771.9), dbSNP rs2151675473, ClinGen allele CA398017061.

ClinVar aggregate classification (germline): Uncertain significance. Review status: criteria provided, single submitter (1 of 4 stars). 2 submissions from 2 submitters: Uncertain significance (1). 1 of the submissions does not count toward it. Last evaluated 2022-08-23.

Conditions:
Diamond-Blackfan anemia. Also called: Blackfan Diamond syndrome; Aregenerative anemia chronic congenital; Red cell aplasia, pure hereditary; Congenital hypoplastic anemia; Aase syndrome. Identifiers: Orphanet 124, MedGen C1260899, MeSH D029503, MONDO:0015253, HP:0004810.
RPL26-related disorder. Also called: RPL26-related condition.

Submissions (2):

Labcorp Genetics (formerly Invitae), Labcorp
Classification: Uncertain significance for Diamond-Blackfan anemia. Last evaluated: 2022-08-23. Review status: criteria provided, single submitter. Criteria: Invitae Variant Classification Sherloc (09022015). Collection method: clinical testing. Allele origin: germline.
Comment: ClinVar contains an entry for this variant (Variation ID: 1469771). This variant has not been reported in the literature in individuals affected with RPL26-related conditions. This variant is not present in population databases (gnomAD no frequency). This sequence change replaces valine, which is neutral and non-polar, with leucine, which is neutral and non-polar, at codon 44 of the RPL26 protein (p.Val44Leu). Algorithms developed to predict the effect of missense changes on protein structure and function (SIFT, PolyPhen-2, Align-GVGD) all suggest that this variant is likely to be tolerated. In summary, the available evidence is currently insufficient to determine the role of this variant in disease. Therefore, it has been classified as a Variant of Uncertain Significance.

PreventionGenetics, part of Exact Sciences
Classification: Uncertain significance for RPL26-related condition. Last evaluated: 2024-08-26. Review status: no assertion criteria provided. Collection method: clinical testing. Allele origin: germline. Not counted in ClinVar's aggregate classification.
Comment: The RPL26 c.130G>T variant is predicted to result in the amino acid substitution p.Val44Leu. To our knowledge, this variant has not been reported in the literature or in a large population database, indicating this variant is rare. At this time, the clinical significance of this variant is uncertain due to the absence of conclusive functional and genetic evidence.